The following is an entry in ClinVar:

NM_017946.4(FKBP14):c.556G>A (p.Asp186Asn)

Genes: FKBP14 (FKBP prolyl isomerase 14; minus strand), FKBP14-AS1 (FKBP14 antisense RNA 1; plus strand). Cytogenetic location: 7p14.3.
Variant type: single nucleotide variant.
Coding change: c.556G>A on transcript NM_017946.4 (MANE Select); coding-DNA position 556, G replaced by A.
Protein change: p.Asp186Asn; replaces aspartic acid 186 with asparagine.
Molecular consequence: missense variant. On other transcripts: non-coding transcript variant (2).
Genome position (GRCh38, 1-based): chr7:30,014,815, C>T on the plus strand (G>A on the coding strand, the complement: FKBP14 is on the minus strand). VCF-style: chr7-30014815-C-T. GRCh37 (hg19) VCF-style: chr7-30054431-C-T.
Other names: short protein forms D186N.
Identifiers: ClinVar variation 1748358 (VCV001748358.2), dbSNP rs766873942, ClinGen allele CA4203376.

ClinVar aggregate classification (germline): Uncertain significance (1 of 4 stars; one submission).

Conditions:
Cardiovascular phenotype. Identifiers: MedGen CN230736.

Allele frequency attached by ClinVar (database versions not stated): ExAC 0.00001; gnomAD 0.00001; gnomAD exomes 0.00001; TOPMed 0.00001.
gnomAD v4.1: 19 of 1,610,956 alleles (0.0012%); highest among the groups gnomAD compares: Non-Finnish European, 0.0015%; no homozygotes.

Submission:

Ambry Genetics
Classification: Uncertain significance for Cardiovascular phenotype. Last evaluated: 2022-08-17. Review status: criteria provided, single submitter. Criteria: Ambry Variant Classification Scheme 2023. Collection method: clinical testing. Allele origin: germline.
Comment: The p.D186N variant (also known as c.556G>A), located in coding exon 4 of the FKBP14 gene, results from a G to A substitution at nucleotide position 556. The aspartic acid at codon 186 is replaced by asparagine, an amino acid with highly similar properties. This amino acid position is conserved. In addition, this alteration is predicted to be tolerated by in silico analysis. Since supporting evidence is limited at this time, the clinical significance of this alteration remains unclear.